The following is an entry in ClinVar:

ClinVar aggregate classification (germline): Uncertain significance (1 of 4 stars; one submission).

Allele frequency attached by ClinVar (database versions not stated): TOPMed below 0.00001; ExAC 0.00001; gnomAD exomes 0.00001; ESP Exome Variant Server 0.00008.
gnomAD v4.1: 9 of 1,614,152 alleles (0.00056%); highest among the groups gnomAD compares: Non-Finnish European, 0.00076%; no homozygotes.

Submission:

Labcorp Genetics (formerly Invitae), Labcorp
Classification: Uncertain significance. Last evaluated: 2025-10-14. Review status: criteria provided, single submitter. Criteria: Invitae Variant Classification Sherloc (09022015). Collection method: clinical testing. Allele origin: germline.
Comment: This sequence change replaces glutamic acid, which is acidic and polar, with alanine, which is neutral and non-polar, at codon 175 of the RPL19 protein (p.Glu175Ala). The frequency data for this variant in the population databases is considered unreliable, as metrics indicate poor data quality at this position in the gnomAD database. This variant has not been reported in the literature in individuals affected with RPL19-related conditions. ClinVar contains an entry for this variant (Variation ID: 2170250). An algorithm developed to predict the effect of missense changes on protein structure and function (PolyPhen-2) suggests that this variant is likely to be tolerated. In summary, the available evidence is currently insufficient to determine the role of this variant in disease. Therefore, it has been classified as a Variant of Uncertain Significance.

NM_000981.4(RPL19):c.524A>C (p.Glu175Ala)

Gene: RPL19 (ribosomal protein L19; plus strand). Cytogenetic location: 17q12.
Variant type: single nucleotide variant.
Coding change: c.524A>C on transcript NM_000981.4 (MANE Select); coding-DNA position 524, A replaced by C.
Protein change: p.Glu175Ala; replaces glutamic acid 175 with alanine.
Molecular consequence: missense variant.
Genome position (GRCh38, 1-based): chr17:39,204,581, A>C. VCF-style: chr17-39204581-A-C. GRCh37 (hg19) VCF-style: chr17-37360834-A-C.
Other names: c.518A>C, p.Glu173Ala (NM_001330200.1); short protein forms E175A, E173A.
Identifiers: ClinVar variation 2170250 (VCV002170250.4), dbSNP rs372444094, ClinGen allele CA8528964.